The following is an entry in ClinVar:

ClinVar aggregate classification (germline): Likely benign (0 of 4 stars; one submission).

Conditions:
DNAH17-related disorder. Also called: DNAH17-related condition.

Allele frequency attached by ClinVar (database versions not stated): 1000 Genomes Project 30x 0.00016; 1000 Genomes Project 0.00020; gnomAD 0.00107; ExAC 0.00116; ESP Exome Variant Server 0.00180.
gnomAD v4.1: 2,792 of 1,613,914 alleles (0.17%); highest among the groups gnomAD compares: Non-Finnish European, 0.23%; 2 homozygotes.

Submission:

PreventionGenetics, part of Exact Sciences
Classification: Likely benign for DNAH17-related condition. Last evaluated: 2019-02-26. Review status: no assertion criteria provided. Collection method: clinical testing. Allele origin: germline.
Comment: This variant is classified as likely benign based on ACMG/AMP sequence variant interpretation guidelines (Richards et al. 2015 PMID: 25741868, with internal and published modifications).

NM_173628.4(DNAH17):c.6195C>T (p.Pro2065=)

Genes: DNAH17 (dynein axonemal heavy chain 17; minus strand), DNAH17-AS1 (DNAH17 antisense RNA 1; plus strand). Cytogenetic location: 17q25.3.
Variant type: single nucleotide variant.
Coding change: c.6195C>T on transcript NM_173628.4 (MANE Select); coding-DNA position 6195, C replaced by T.
Protein change: p.Pro2065=; no amino-acid change (proline 2065 retained).
Molecular consequence: synonymous variant.
Genome position (GRCh38, 1-based): chr17:78,494,668, G>A on the plus strand (C>T on the coding strand, the complement: DNAH17 is on the minus strand). VCF-style: chr17-78494668-G-A. GRCh37 (hg19) VCF-style: chr17-76490750-G-A.
Identifiers: ClinVar variation 3041473 (VCV003041473.2), dbSNP rs148107688, ClinGen allele CA8802884.